The following is an entry in ClinVar:

ClinVar aggregate classification (germline): Uncertain significance. Review status: reviewed by expert panel (3 of 4 stars). 4 submissions from 3 submitters: Uncertain significance (1). 3 of the submissions do not count toward it. Last evaluated 2024-05-01.

Conditions:
Recombinase activating gene 2 deficiency. Also called: RAG2 deficiency. Identifiers: MedGen CN257931, MONDO:0000573.
Severe combined immunodeficiency, autosomal recessive, T cell-negative, B cell-negative, NK cell-positive. Also called: Severe combined immunodeficiency due to complete RAG1/2 deficiency; SCID, AR, T-cell negative, B-cell negative, NK cell-positive; SCID, T CELL-NEGATIVE, B CELL-NEGATIVE, NK CELL-POSITIVE. Identifiers: Orphanet 331206, MedGen C1832322, MONDO:0011086, OMIM 601457.
Histiocytic medullary reticulosis. Also called: Omenn syndrome; SEVERE COMBINED IMMUNODEFICIENCY WITH HYPEREOSINOPHILIA. Identifiers: Orphanet 39041, MedGen C2700553, MONDO:0011338, OMIM 603554.
Combined immunodeficiency with skin granulomas. Identifiers: Orphanet 157949, MedGen C2673536, MONDO:0009306, OMIM 233650.

Submissions (4):

ClinGen Severe Combined Immunodeficiency Variant Curation Expert Panel, ClinGen
Classification: Uncertain significance for Recombinase activating gene 2 deficiency. Last evaluated: 2024-05-01. Review status: reviewed by expert panel. Criteria: ClinGen SCID ACMG Specifications RAG2 V1.0.0. Collection method: curation. Allele origin: germline. Inheritance: Autosomal recessive inheritance.
Comment: NM_000536.4(RAG2):c.74A>G is a missense variant predicted to cause substitution of Aspartic acid by Glycine at amino acid 25 (p.Asp25Gly). This missense variant is located in the core domain (amino acids 1-383 (PM1_supporting). The variant is absent in gnomAD v4 (PM2_supporting). To our knowledge, this variant has not been reported in the literature in individuals affected with RAG2 related conditions or in functional studies. In summary, this variant meets the criteria to be classified as a variant of uncertain significance for autosomal recessive severe combined immunodeficiency due to RAG2 deficiency based on the ACMG/AMP criteria applied, as specified by the ClinGen SCID VCEP: PM1_supporting, PM2_supporting (VCEP specifications version 1).

Fulgent Genetics
Classification: Uncertain significance for Combined immunodeficiency with skin granulomas; Severe combined immunodeficiency, autosomal recessive, T cell-negative, B cell-negative, NK cell-positive; Histiocytic medullary reticulosis. Last evaluated: 2021-09-30. Review status: criteria provided, single submitter. Criteria: ACMG Guidelines, 2015. Collection method: clinical testing. Allele origin: unknown. Not counted in ClinVar's aggregate classification.

Illumina Laboratory Services, Illumina
Classification: Uncertain significance for Histiocytic medullary reticulosis. Last evaluated: 2018-01-13. Review status: criteria provided, single submitter. Criteria: ICSL Variant Classification Criteria 13 December 2019. Collection method: clinical testing. Allele origin: germline. Not counted in ClinVar's aggregate classification.

Illumina Laboratory Services, Illumina
Classification: Uncertain significance for Severe combined immunodeficiency, autosomal recessive, T cell-negative, B cell-negative, NK cell-positive. Last evaluated: 2018-01-13. Review status: criteria provided, single submitter. Criteria: ICSL Variant Classification Criteria 13 December 2019. Collection method: clinical testing. Allele origin: germline. Not counted in ClinVar's aggregate classification.

NM_000536.4(RAG2):c.74A>G (p.Asp25Gly)

Gene: RAG2 (recombination activating 2; minus strand). Cytogenetic location: 11p12.
Variant type: single nucleotide variant.
Coding change: c.74A>G on transcript NM_000536.4 (MANE Select); coding-DNA position 74, A replaced by G.
Protein change: p.Asp25Gly; replaces aspartic acid 25 with glycine.
Molecular consequence: missense variant.
Genome position (GRCh38, 1-based): chr11:36,594,095, T>C on the plus strand (A>G on the coding strand, the complement: RAG2 is on the minus strand). VCF-style: chr11-36594095-T-C. GRCh37 (hg19) VCF-style: chr11-36615645-T-C.
Other names: NM_000536.4(RAG2):c.74A>G; p.Asp25Gly; c.74A>G, p.Asp25Gly (NM_001243785.2, NM_001243786.2); short protein forms D25G.
Identifiers: ClinVar variation 879522 (VCV000879522.5), dbSNP rs1851105950, ClinGen allele CA380144809.